The following is an entry in ClinVar:

NM_003737.4(DCHS1):c.2004G>C (p.Met668Ile)

Gene: DCHS1 (dachsous cadherin-related 1; minus strand). Cytogenetic location: 11p15.4.
Variant type: single nucleotide variant.
Coding change: c.2004G>C on transcript NM_003737.4 (MANE Select); coding-DNA position 2004, G replaced by C.
Protein change: p.Met668Ile; replaces methionine 668 with isoleucine.
Molecular consequence: missense variant.
Genome position (GRCh38, 1-based): chr11:6,634,003, C>G on the plus strand (G>C on the coding strand, the complement: DCHS1 is on the minus strand). VCF-style: chr11-6634003-C-G. GRCh37 (hg19) VCF-style: chr11-6655234-C-G.
Other names: c.2004G>C (NM_003737.2); short protein forms M668I.
Identifiers: ClinVar variation 2497859 (VCV002497859.3), dbSNP rs759616413, ClinGen allele CA5860827.

ClinVar aggregate classification (germline): Uncertain significance. Review status: criteria provided, multiple submitters, no conflicts (2 of 4 stars). 3 submissions from 3 submitters: Uncertain significance (3). Last evaluated 2025-11-18.

Conditions:
Inborn genetic diseases. Identifiers: MedGen C0950123, MeSH D030342.

Allele frequency attached by ClinVar (database versions not stated): gnomAD exomes 0.00001; gnomAD 0.00001; ExAC 0.00003.
gnomAD v4.1: 18 of 1,613,788 alleles (0.0011%); highest among the groups gnomAD compares: South Asian, 0.015%; no homozygotes.

Submissions (3):

Labcorp Genetics (formerly Invitae), Labcorp
Classification: Uncertain significance. Last evaluated: 2025-11-18. Review status: criteria provided, single submitter. Criteria: Invitae Variant Classification Sherloc (09022015). Collection method: clinical testing. Allele origin: germline.
Comment: This sequence change replaces methionine, which is neutral and non-polar, with isoleucine, which is neutral and non-polar, at codon 668 of the DCHS1 protein (p.Met668Ile). This variant is present in population databases (rs759616413, gnomAD 0.01%). This variant has not been reported in the literature in individuals affected with DCHS1-related conditions. ClinVar contains an entry for this variant (Variation ID: 2497859). Invitae Evidence Modeling of protein sequence and biophysical properties (such as structural, functional, and spatial information, amino acid conservation, physicochemical variation, residue mobility, and thermodynamic stability) indicates that this missense variant is not expected to disrupt DCHS1 protein function with a negative predictive value of 80%. In summary, the available evidence is currently insufficient to determine the role of this variant in disease. Therefore, it has been classified as a Variant of Uncertain Significance.

Ambry Genetics
Classification: Uncertain significance for Inborn genetic diseases. Last evaluated: 2024-01-24. Review status: criteria provided, single submitter. Criteria: Ambry Variant Classification Scheme 2023. Collection method: clinical testing. Allele origin: germline.

GeneDx
Classification: Uncertain significance. Last evaluated: 2022-10-06. Review status: criteria provided, single submitter. Criteria: GeneDx Variant Classification Process June 2021. Collection method: clinical testing. Allele origin: germline. Affected: yes.
Comment: In silico analysis supports that this missense variant does not alter protein structure/function; Has not been previously published as pathogenic or benign to our knowledge